The following is an entry in ClinVar:

ClinVar aggregate classification (germline): Uncertain significance. Review status: criteria provided, multiple submitters, no conflicts (2 of 4 stars). 3 submissions from 3 submitters: Uncertain significance (3). Last evaluated 2026-02-03.

Conditions:
Cohen syndrome (COH1). Also called: PEPPER SYNDROME; Cutis verticis gyrata, retinitis pigmentosa, and sensorineural deafness. Identifiers: Orphanet 193, MedGen C0265223, MONDO:0008999, OMIM 216550.
VPS13B-related disorder. Also called: VPS13B-related condition.

Allele frequency attached by ClinVar (database versions not stated): gnomAD exomes 0.00001; ExAC 0.00002; TOPMed 0.00002; gnomAD 0.00003.
gnomAD v4.1: 33 of 1,613,960 alleles (0.002%); highest among the groups gnomAD compares: Non-Finnish European, 0.0026%; no homozygotes.

Submissions (3):

GeneDx
Classification: Uncertain significance. Last evaluated: 2026-02-03. Review status: criteria provided, single submitter. Criteria: GeneDx Variant Classification Process June 2021. Collection method: clinical testing. Allele origin: germline.
Comment: Not observed at significant frequency in large population cohorts (gnomAD); In silico analysis suggests that this missense variant does not alter protein structure/function; Has not been previously published as pathogenic or benign to our knowledge

PreventionGenetics, part of Exact Sciences
Classification: Uncertain significance for VPS13B-related condition. Last evaluated: 2025-02-11. Review status: criteria provided, single submitter. Criteria: ACMG Guidelines, 2015. Collection method: clinical testing. Allele origin: germline.
Comment: The VPS13B c.7319C>T variant is predicted to result in the amino acid substitution p.Thr2440Ile. To our knowledge, this variant has not been reported in the literature. This variant is reported in 0.0040% of alleles in individuals of African descent in gnomAD. At this time, the clinical significance of this variant is uncertain due to the absence of conclusive functional and genetic evidence.

Labcorp Genetics (formerly Invitae), Labcorp
Classification: Uncertain significance for Cohen syndrome. Last evaluated: 2021-09-24. Review status: criteria provided, single submitter. Criteria: Invitae Variant Classification Sherloc (09022015). Collection method: clinical testing. Allele origin: germline.
Comment: This sequence change replaces threonine with isoleucine at codon 2465 of the VPS13B protein (p.Thr2465Ile). The threonine residue is moderately conserved and there is a moderate physicochemical difference between threonine and isoleucine. This variant is present in population databases (rs777428883, ExAC 0.01%). This variant has not been reported in the literature in individuals affected with VPS13B-related conditions. Algorithms developed to predict the effect of missense changes on protein structure and function are either unavailable or do not agree on the potential impact of this missense change (SIFT: "Not Available"; PolyPhen-2: "Possibly Damaging"; Align-GVGD: "Not Available"). In summary, the available evidence is currently insufficient to determine the role of this variant in disease. Therefore, it has been classified as a Variant of Uncertain Significance.

NM_152564.5(VPS13B):c.7319C>T (p.Thr2440Ile)

Gene: VPS13B (vacuolar protein sorting 13 homolog B; plus strand). Cytogenetic location: 8q22.2.
Variant type: single nucleotide variant.
Coding change: c.7319C>T on transcript NM_152564.5 (MANE Select); coding-DNA position 7319, C replaced by T.
Protein change: p.Thr2440Ile; replaces threonine 2440 with isoleucine.
Molecular consequence: missense variant.
Genome position (GRCh38, 1-based): chr8:99,776,846, C>T. VCF-style: chr8-99776846-C-T. GRCh37 (hg19) VCF-style: chr8-100789074-C-T.
Other names: c.7394C>T, p.Thr2465Ile (NM_017890.5); c.7319C>T (NM_152564.4); c.7394C>T (NM_017890.3); short protein forms T2440I, T2465I.
Identifiers: ClinVar variation 1434100 (VCV001434100.8), dbSNP rs777428883, ClinGen allele CA4824192.